The following is an entry in ClinVar:

NM_001035.3(RYR2):c.2140G>A (p.Gly714Ser)

Gene: RYR2 (ryanodine receptor 2; plus strand). Cytogenetic location: 1q43.
Variant type: single nucleotide variant.
Coding change: c.2140G>A on transcript NM_001035.3 (MANE Select); coding-DNA position 2140, G replaced by A.
Protein change: p.Gly714Ser; replaces glycine 714 with serine.
Molecular consequence: missense variant.
Genome position (GRCh38, 1-based): chr1:237,496,689, G>A. VCF-style: chr1-237496689-G-A. GRCh37 (hg19) VCF-style: chr1-237659989-G-A.
Other names: short protein forms G714S.
Identifiers: ClinVar variation 3706366 (VCV003706366.2).

ClinVar aggregate classification (germline): Uncertain significance (1 of 4 stars; one submission).

Conditions:
Catecholaminergic polymorphic ventricular tachycardia 1. Also called: VENTRICULAR TACHYCARDIA, STRESS-INDUCED POLYMORPHIC 1; VENTRICULAR TACHYCARDIA, CATECHOLAMINERGIC POLYMORPHIC, 1, WITH OR WITHOUT ATRIAL DYSFUNCTION AND/OR DILATED CARDIOMYOPATHY; RYR2-Related Catecholaminergic Polymorphic Ventricular Tachycardia. Identifiers: Orphanet 3286, MedGen C1631597, MONDO:0011484, OMIM 604772.

Submission:

Labcorp Genetics (formerly Invitae), Labcorp
Classification: Uncertain significance for Catecholaminergic polymorphic ventricular tachycardia 1. Last evaluated: 2024-08-07. Review status: criteria provided, single submitter. Criteria: Invitae Variant Classification Sherloc (09022015). Collection method: clinical testing. Allele origin: germline.
Comment: This sequence change replaces glycine, which is neutral and non-polar, with serine, which is neutral and polar, at codon 714 of the RYR2 protein (p.Gly714Ser). This variant is not present in population databases (gnomAD no frequency). This variant has not been reported in the literature in individuals affected with RYR2-related conditions. Advanced modeling of protein sequence and biophysical properties (such as structural, functional, and spatial information, amino acid conservation, physicochemical variation, residue mobility, and thermodynamic stability) performed at Invitae indicates that this missense variant is not expected to disrupt RYR2 protein function with a negative predictive value of 95%. In summary, the available evidence is currently insufficient to determine the role of this variant in disease. Therefore, it has been classified as a Variant of Uncertain Significance.